The following is an entry in ClinVar:

ClinVar aggregate classification (germline): Uncertain significance (1 of 4 stars; one submission).

Allele frequency attached by ClinVar (database versions not stated): ExAC 0.00001.

Submission:

GeneDx
Classification: Uncertain significance. Last evaluated: 2022-09-22. Review status: criteria provided, single submitter. Criteria: GeneDx Variant Classification Process June 2021. Collection method: clinical testing. Allele origin: germline. Affected: yes.
Comment: Not observed at significant frequency in large population cohorts (gnomAD); In silico analysis supports that this missense variant does not alter protein structure/function; Has not been previously published as pathogenic or benign to our knowledge

NM_001382391.1(CSPP1):c.1746A>G (p.Ile582Met)

Gene: CSPP1 (centrosome and spindle pole associated protein 1; plus strand). Cytogenetic location: 8q13.2.
Variant type: single nucleotide variant.
Coding change: c.1746A>G on transcript NM_001382391.1 (MANE Select); coding-DNA position 1746, A replaced by G.
Protein change: p.Ile582Met; replaces isoleucine 582 with methionine.
Molecular consequence: missense variant.
Genome position (GRCh38, 1-based): chr8:67,131,999, A>G. VCF-style: chr8-67131999-A-G. GRCh37 (hg19) VCF-style: chr8-68044234-A-G.
Other names: c.849A>G, p.Ile283Met (NM_001291339.2); c.1665A>G, p.Ile555Met (NM_001363131.2); c.1704A>G, p.Ile568Met (NM_001363132.2); c.1623A>G, p.Ile541Met (NM_001363133.2); c.1812A>G, p.Ile604Met (NM_001364869.1); c.1632A>G, p.Ile544Met (NM_001364870.1); c.1731A>G, p.Ile577Met (NM_024790.7); short protein forms I283M, I541M, I544M, I555M, I568M, I577M, I582M, I604M.
Identifiers: ClinVar variation 2446251 (VCV002446251.1), dbSNP rs770124459, ClinGen allele CA4770649.